The following is an entry in ClinVar:

NM_002437.5(MPV17):c.509C>T (p.Ser170Phe)

Gene: MPV17 (mitochondrial inner membrane protein MPV17; minus strand). Cytogenetic location: 2p23.3.
Variant type: single nucleotide variant.
Coding change: c.509C>T on transcript NM_002437.5 (MANE Select); coding-DNA position 509, C replaced by T.
Protein change: p.Ser170Phe; replaces serine 170 with phenylalanine.
Molecular consequence: missense variant.
Genome position (GRCh38, 1-based): chr2:27,309,934, G>A on the plus strand (C>T on the coding strand, the complement: MPV17 is on the minus strand). VCF-style: chr2-27309934-G-A. GRCh37 (hg19) VCF-style: chr2-27532802-G-A.
Other names: short protein forms S170F.
Identifiers: ClinVar variation 38358 (VCV000038358.7), dbSNP rs267607260, ClinGen allele CA342985.

ClinVar aggregate classification (germline): Pathogenic/Likely pathogenic. Review status: criteria provided, multiple submitters, no conflicts (2 of 4 stars). 2 submissions from 2 submitters: Pathogenic (1); Likely pathogenic (1). Last evaluated 2023-04-22.

Conditions:
Mitochondrial DNA depletion syndrome 6 (hepatocerebral type). Also called: NAVAJO NEUROPATHY; Navajo neurohepatopathy; Mitochondrial DNA depletion syndrome type 6. Identifiers: Orphanet 255229, MedGen C1850406, MONDO:0009747, OMIM 256810.

Submissions (2):

Labcorp Genetics (formerly Invitae), Labcorp
Classification: Pathogenic. Last evaluated: 2023-04-22. Review status: criteria provided, single submitter. Criteria: Invitae Variant Classification Sherloc (09022015). Collection method: clinical testing. Allele origin: germline.
Comment: For these reasons, this variant has been classified as Pathogenic. Advanced modeling of protein sequence and biophysical properties (such as structural, functional, and spatial information, amino acid conservation, physicochemical variation, residue mobility, and thermodynamic stability) performed at Invitae indicates that this missense variant is expected to disrupt MPV17 protein function. ClinVar contains an entry for this variant (Variation ID: 38358). This missense change has been observed in individual(s) with mitochondrial DNA depletion syndrome (PMID: 19520594). In at least one individual the data is consistent with being in trans (on the opposite chromosome) from a pathogenic variant. It has also been observed to segregate with disease in related individuals. This variant is not present in population databases (gnomAD no frequency). This sequence change replaces serine, which is neutral and polar, with phenylalanine, which is neutral and non-polar, at codon 170 of the MPV17 protein (p.Ser170Phe).

SIB Swiss Institute of Bioinformatics
Classification: Likely pathogenic for Mitochondrial DNA depletion syndrome 6 (hepatocerebral type). Last evaluated: 2019-08-13. Review status: criteria provided, single submitter. Criteria: ACMG Guidelines, 2015. Collection method: curation. Allele origin: unknown.
Comment: This variant is interpreted as a Likely pathogenic for Mitochondrial DNA depletion syndrome 6, autosomal recessive. The following ACMG Tag(s) were applied: PM2, PP3, PP1, PM3.

Literature cited by the submitters: PubMed 19520594 (cited by Labcorp Genetics (formerly Invitae), Labcorp and SIB Swiss Institute of Bioinformatics).